The following is an entry in ClinVar:

NC_000002.11:g.(?_179460214)_(179487514_?)dup

Genes: TTN (titin; minus strand), TTN-AS1 (TTN antisense RNA 1; plus strand), LOC126806425 (BRD4-independent group 4 enhancer GRCh37_chr2:179471933-179473132; plus strand), LOC126806427 (BRD4-independent group 4 enhancer GRCh37_chr2:179485777-179486976; plus strand), LOC126806426 (BRD4-independent group 4 enhancer GRCh37_chr2:179478848-179480047; plus strand). Cytogenetic location: 2q31.2.
Variant type: Duplication.
Identifiers: ClinVar variation 535755 (VCV000535755.2).

ClinVar aggregate classification (germline): Uncertain significance (1 of 4 stars; one submission).

Conditions:
Autosomal recessive limb-girdle muscular dystrophy type 2J (LGMDR10). Also called: Limb-girdle muscular dystrophy, type 2J; MUSCULAR DYSTROPHY, LIMB-GIRDLE, AUTOSOMAL RECESSIVE 10. Identifiers: Orphanet 140922, MedGen C1837342, MONDO:0012127, OMIM 608807.
Dilated cardiomyopathy 1G (CMD1G). Identifiers: Orphanet 154, MedGen C1858763, MONDO:0011400, OMIM 604145.

Submission:

Labcorp Genetics (formerly Invitae), Labcorp
Classification: Uncertain significance for Dilated cardiomyopathy 1G; Autosomal recessive limb-girdle muscular dystrophy type 2J. Last evaluated: 2022-07-12. Review status: criteria provided, single submitter. Criteria: Invitae Variant Classification Sherloc (09022015). Collection method: clinical testing. Allele origin: germline.
Comment: This variant results in a copy number gain of the genomic region encompassing exon(s) 243-295 of the TTN gene. While the exact position of this variant cannot be determined from the data, sub-genic copy number gains are generally in tandem (PMID: 25640679). This variant is predicted to be in-frame, and likely preserves the integrity of the reading frame. A similar copy number variant has been observed in individuals with dilated cardiomyopathy (Invitae). This variant disrupts the I and A band(s) of TTN (PMID: 25589632). Copy number variants in TTN have been previously reported in individuals affected with neuromuscular disorders (PMID: 29792937, 30238059), but the functional significance of this variant is currently unknown. In summary, the available evidence is currently insufficient to determine the role of this variant in disease. Therefore, it has been classified as a Variant of Uncertain Significance.

Literature cited by the submitters: PubMed 25640679; PubMed 25589632; PubMed 29792937; PubMed 30238059.